The following is an entry in ClinVar:

NC_000008.11:g.5743669_5747565del

Variant type: Deletion.
Genome position: GRCh38: chr8:5,743,669-5,747,565. GRCh37 (hg19): chr8:5,601,191-5,605,087.
Identifiers: ClinVar variation 157094 (VCV000157094.3), ClinGen allele CA212215.

ClinVar aggregate classification (germline): not provided. Review status: no classification provided (0 of 4 stars). 2 submissions from 1 submitter: not provided (2).

Conditions:
Gestational diabetes mellitus uncontrolled. Identifiers: MedGen C3532257.
Normal pregnancy. Identifiers: MedGen C0232989.

Submissions (2):

Institute of Molecular and Cell Biology, University of Tartu
No classification provided. Condition: Normal pregnancy. Review status: no classification provided. Collection method: case-control. Allele origin: unknown. Affected: yes. Study: Kasak2014.
Comment: The study aimed to determine the contribution of copy number variants in the genetic etiology of normal and complicated pregnancies. The samples represented (i) maternal blood DNA drawn from healthy pregnant women during 1st or 2nd trimester and (ii) maternal and paternal blood DNA drawn at term pregnancy cases representing normal and complicated gestations (severe preeclampsia, PE; gestational diabetes, GD; small-for-gestational age newborn, SGA; large-for-gestational age newborn, LGA). We performed CNV calling based on genome-wide genotyping dataset (Illumina HumanOmniExpress-24-v1 BeadChip) by applying three algorithms, QuantiSNP, GADA (Genome Alteration Detection Algorithm) and CNstream in parallel. The acquired CNV calls were merged with HD-CNV (Hotspot Detector for Copy Number Variants) program and only the CNVs predicted by at least two programs, were considered in subsequent analysis.

Institute of Molecular and Cell Biology, University of Tartu
No classification provided. Condition: Gestational diabetes mellitus uncontrolled. Review status: no classification provided. Collection method: case-control. Allele origin: unknown. Affected: yes. Study: Kasak2014.
Comment: the same text as in the submission from Institute of Molecular and Cell Biology, University of Tartu above.

Literature cited by the submitters: PubMed 25666259.